The following is an entry in ClinVar:

ClinVar aggregate classification (germline): Uncertain significance. Review status: criteria provided, multiple submitters, no conflicts (2 of 4 stars). 2 submissions from 2 submitters: Uncertain significance (2). Last evaluated 2025-04-03.

Conditions:
Townes syndrome (TBS). Also called: Townes-Brocks syndrome. Identifiers: Orphanet 857, MedGen C0265246, MeSH C536974, MONDO:0007142.
Inborn genetic diseases. Identifiers: MedGen C0950123, MeSH D030342.

Allele frequency attached by ClinVar (database versions not stated): ExAC 0.00002; gnomAD 0.00001; gnomAD exomes 0.00001; TOPMed 0.00002.

Submissions (2):

Ambry Genetics
Classification: Uncertain significance for Inborn genetic diseases. Last evaluated: 2025-04-03. Review status: criteria provided, single submitter. Criteria: Ambry Variant Classification Scheme 2023. Collection method: clinical testing. Allele origin: germline.

Labcorp Genetics (formerly Invitae), Labcorp
Classification: Uncertain significance for Townes syndrome. Last evaluated: 2022-04-04. Review status: criteria provided, single submitter. Criteria: Invitae Variant Classification Sherloc (09022015). Collection method: clinical testing. Allele origin: germline.
Comment: This variant has not been reported in the literature in individuals affected with SALL1-related conditions. This variant is present in population databases (rs763725677, gnomAD 0.006%). This sequence change replaces serine, which is neutral and polar, with phenylalanine, which is neutral and non-polar, at codon 1116 of the SALL1 protein (p.Ser1116Phe). Algorithms developed to predict the effect of missense changes on protein structure and function are either unavailable or do not agree on the potential impact of this missense change (SIFT: "Deleterious"; PolyPhen-2: "Possibly Damaging"; Align-GVGD: "Class C15"). In summary, the available evidence is currently insufficient to determine the role of this variant in disease. Therefore, it has been classified as a Variant of Uncertain Significance.

NM_002968.3(SALL1):c.3347C>T (p.Ser1116Phe)

Gene: SALL1 (spalt like transcription factor 1; minus strand). Cytogenetic location: 16q12.1.
Variant type: single nucleotide variant.
Coding change: c.3347C>T on transcript NM_002968.3 (MANE Select); coding-DNA position 3347, C replaced by T.
Protein change: p.Ser1116Phe; replaces serine 1116 with phenylalanine.
Molecular consequence: missense variant.
Genome position (GRCh38, 1-based): chr16:51,138,875, G>A on the plus strand (C>T on the coding strand, the complement: SALL1 is on the minus strand). VCF-style: chr16-51138875-G-A. GRCh37 (hg19) VCF-style: chr16-51172786-G-A.
Other names: c.3056C>T, p.Ser1019Phe (NM_001127892.2); short protein forms S1019F, S1116F.
Identifiers: ClinVar variation 2051890 (VCV002051890.5), dbSNP rs763725677, ClinGen allele CA8052944.